The following is an entry in ClinVar:

NM_001166108.2(PALLD):c.3349G>T (p.Asp1117Tyr)

Genes: CBR4 (carbonyl reductase 4; minus strand), PALLD (palladin, cytoskeletal associated protein; plus strand). Cytogenetic location: 4q32.3.
Variant type: single nucleotide variant.
Coding change: c.3349G>T on transcript NM_001166108.2 (MANE Select); coding-DNA position 3349, G replaced by T.
Protein change: p.Asp1117Tyr; replaces aspartic acid 1117 with tyrosine.
Molecular consequence: missense variant.
Genome position (GRCh38, 1-based): chr4:168,925,069, G>T. VCF-style: chr4-168925069-G-T. GRCh37 (hg19) VCF-style: chr4-169846220-G-T.
Other names: c.2152G>T, p.Asp718Tyr (NM_001166109.2); c.1837G>T, p.Asp613Tyr (NM_001166110.2); c.1177G>T, p.Asp393Tyr (NM_001367567.1, NM_001367569.1); c.1228G>T, p.Asp410Tyr (NM_001367568.1, NM_001367570.1); c.3298G>T, p.Asp1100Tyr (NM_016081.4); short protein forms D410Y, D1100Y, D1117Y, D718Y, D393Y, D613Y.
Identifiers: ClinVar variation 1729906 (VCV001729906.2), dbSNP rs1389221540, ClinGen allele CA358714411.

ClinVar aggregate classification (germline): Uncertain significance (1 of 4 stars; one submission).

Submission:

Ambry Genetics
Classification: Uncertain significance. Last evaluated: 2022-03-24. Review status: criteria provided, single submitter. Criteria: Ambry Variant Classification Scheme 2023. Collection method: clinical testing. Allele origin: germline.
Comment: The p.D1100Y variant (also known as c.3298G>T), located in coding exon 18 of the PALLD gene, results from a G to T substitution at nucleotide position 3298. The aspartic acid at codon 1100 is replaced by tyrosine, an amino acid with highly dissimilar properties. This amino acid position is conserved. In addition, this alteration is predicted to be deleterious by in silico analysis. Since supporting evidence is limited at this time, the clinical significance of this alteration remains unclear.